The following is an entry in ClinVar:

NM_001126108.2(SLC12A3):c.1925+5G>A

Gene: SLC12A3 (solute carrier family 12 member 3; plus strand). Cytogenetic location: 16q13.
Variant type: single nucleotide variant.
Coding change: c.1925+5G>A on transcript NM_001126108.2 (MANE Select); 5 bases into the intron after coding-DNA position 1925, G replaced by A.
Molecular consequence: intron variant.
Genome position (GRCh38, 1-based): chr16:56,885,369, G>A. VCF-style: chr16-56885369-G-A. GRCh37 (hg19) VCF-style: chr16-56919281-G-A.
Other names: c.1925+5G>A (NM_000339.3); c.1922+5G>A (NM_001126107.2, NM_001410896.1).
Identifiers: ClinVar variation 4687431 (VCV004687431.1).

ClinVar aggregate classification (germline): Uncertain significance (1 of 4 stars; one submission).

Submission:

Women's Health and Genetics/Laboratory Corporation of America, LabCorp
Classification: Uncertain significance. Last evaluated: 2025-10-29. Review status: criteria provided, single submitter. Criteria: LabCorp Variant Classification Summary - May 2015. Collection method: clinical testing. Allele origin: germline.
Comment: Variant summary: SLC12A3 c.1925+5G>A alters a nucleotide located close to a canonical splice site and therefore could affect mRNA splicing, leading to a significantly altered protein sequence. Several computational tools predict a significant impact on normal splicing: Two predict the variant abolishes a 5' splicing donor site. Two predict the variant weakens a 5' donor site. However, these predictions have yet to be confirmed by functional studies. The variant was absent in 158664 control chromosomes. The available data on variant occurrences in the general population are insufficient to allow any conclusion about variant significance. c.1925+5G>A has been observed in an individual affected with Familial Hypokalemia-Hypomagnesemia (Gitelman syndrome) (Wang_2017). This report does not provide unequivocal conclusions about association of the variant with Familial Hypokalemia-Hypomagnesemia. To our knowledge, no experimental evidence demonstrating an impact on protein function has been reported. The following publication has been ascertained in the context of this evaluation (PMID: 27216017). No submitters have cited clinical-significance assessments for this variant to ClinVar. Based on the evidence outlined above, the variant was classified as uncertain significance.

Literature cited by the submitters: PubMed 27216017.